The following is an entry in ClinVar:

NM_031407.7(HUWE1):c.4432G>A (p.Asp1478Asn)

Gene: HUWE1 (HECT, UBA and WWE domain containing E3 ubiquitin protein ligase 1; minus strand). Cytogenetic location: Xp11.22.
Variant type: single nucleotide variant.
Coding change: c.4432G>A on transcript NM_031407.7 (MANE Select); coding-DNA position 4432, G replaced by A.
Protein change: p.Asp1478Asn; replaces aspartic acid 1478 with asparagine.
Molecular consequence: missense variant.
Genome position (GRCh38, 1-based): chrX:53,589,576, C>T on the plus strand (G>A on the coding strand, the complement: HUWE1 is on the minus strand). VCF-style: chrX-53589576-C-T. GRCh37 (hg19) VCF-style: chrX-53616536-C-T.
Other names: short protein forms D1478N.
Identifiers: ClinVar variation 2013979 (VCV002013979.4), dbSNP rs2525902894, ClinGen allele CA413176334.

ClinVar aggregate classification (germline): Uncertain significance (1 of 4 stars; one submission).

Submission:

Labcorp Genetics (formerly Invitae), Labcorp
Classification: Uncertain significance. Last evaluated: 2022-10-30. Review status: criteria provided, single submitter. Criteria: Invitae Variant Classification Sherloc (09022015). Collection method: clinical testing. Allele origin: germline.
Comment: Advanced modeling of protein sequence and biophysical properties (such as structural, functional, and spatial information, amino acid conservation, physicochemical variation, residue mobility, and thermodynamic stability) has been performed at Invitae for this missense variant, however the output from this modeling did not meet the statistical confidence thresholds required to predict the impact of this variant on HUWE1 protein function. This variant has not been reported in the literature in individuals affected with HUWE1-related conditions. This variant is not present in population databases (gnomAD no frequency). This sequence change replaces aspartic acid, which is acidic and polar, with asparagine, which is neutral and polar, at codon 1478 of the HUWE1 protein (p.Asp1478Asn). In summary, the available evidence is currently insufficient to determine the role of this variant in disease. Therefore, it has been classified as a Variant of Uncertain Significance.